The following is an entry in ClinVar:

ClinVar aggregate classification (germline): Benign/Likely benign. Review status: criteria provided, multiple submitters, no conflicts (2 of 4 stars). 13 submissions from 13 submitters: Benign (4); Likely benign (6). 3 of the submissions do not count toward it. Last evaluated 2026-09-21.

Conditions:
Cardiovascular phenotype. Identifiers: MedGen CN230736.
ANK2-related disorder. Also called: ANK2-related condition.
Long QT syndrome (LQTS). Identifiers: MedGen C0023976, MeSH D008133, MONDO:0002442. Disease mechanism: loss of function. Inheritance: Various modes of inheritance.
Cardiac arrhythmia, ankyrin-B-related. Also called: ANKYRIN-B SYNDROME. Identifiers: Orphanet 101016, Orphanet 768, MedGen C1970119, MONDO:0010958, OMIM 600919.

Allele frequency attached by ClinVar (database versions not stated): 1000 Genomes Project 30x 0.00062; ESP Exome Variant Server 0.00062; gnomAD 0.00156; TOPMed 0.00031; 1000 Genomes Project 0.00060.
gnomAD v4.1: 1,398 of 1,614,092 alleles (0.087%); highest among the groups gnomAD compares: Non-Finnish European, 0.059%; 3 homozygotes.

Submissions (13):

Molecular Diagnostic Laboratory for Inherited Cardiovascular Disease, Montreal Heart Institute
Classification: Likely benign. Last evaluated: 2026-09-21. Review status: criteria provided, single submitter. Criteria: ACMG Guidelines, 2015. Collection method: clinical testing. Allele origin: germline. Affected: no.
Comment: BS1;BP7

CeGaT Center for Human Genetics Tuebingen
Classification: Likely benign. Last evaluated: 2026-03-01. Review status: criteria provided, single submitter. Criteria: CeGaT Center For Human Genetics Tuebingen Variant Classification Criteria Version 2. Collection method: clinical testing. Allele origin: germline. Affected: yes. Observed: 1 variant allele.
Comment: ANK2: BP4, BP7

Labcorp Genetics (formerly Invitae), Labcorp
Classification: Benign for Long QT syndrome. Last evaluated: 2025-11-09. Review status: criteria provided, single submitter. Criteria: Invitae Variant Classification Sherloc (09022015). Collection method: clinical testing. Allele origin: germline.

Blueprint Genetics
Classification: Likely benign. Last evaluated: 2024-11-22. Review status: criteria provided, single submitter. Criteria: ACMG Guidelines, 2015. Collection method: clinical testing. Allele origin: germline.

Women's Health and Genetics/Laboratory Corporation of America, LabCorp
Classification: Benign. Last evaluated: 2023-10-23. Review status: criteria provided, single submitter. Criteria: LabCorp Variant Classification Summary - May 2015. Collection method: clinical testing. Allele origin: germline.

Mayo Clinic Laboratories, Mayo Clinic
Classification: Likely benign. Last evaluated: 2022-05-12. Review status: criteria provided, single submitter. Criteria: ACMG Guidelines, 2015. Collection method: clinical testing. Allele origin: germline. Observed: 2 variant alleles.

Genome-Nilou Lab
Classification: Benign for Cardiac arrhythmia, ankyrin-B-related. Last evaluated: 2021-12-05. Review status: criteria provided, single submitter. Criteria: ACMG Guidelines, 2015. Collection method: clinical testing. Allele origin: germline. Affected: no.

Illumina Laboratory Services, Illumina
Classification: Likely benign for Cardiac arrhythmia, ankyrin-B-related. Last evaluated: 2018-01-13. Review status: criteria provided, single submitter. Criteria: ICSL Variant Classification Criteria 13 December 2019. Collection method: clinical testing. Allele origin: germline.
Comment: This variant was observed in the ICSL laboratory as part of a predisposition screen in an ostensibly healthy population. It had not been previously curated by ICSL or reported in the Human Gene Mutation Database (HGMD: prior to June 1st, 2018), and was therefore a candidate for classification through an automated scoring system. Utilizing variant allele frequency, disease prevalence and penetrance estimates, and inheritance mode, an automated score was calculated to assess if this variant is too frequent to cause the disease. Based on the score and internal cut-off values, a variant classified as likely benign is not then subjected to further curation. The score for this variant resulted in a classification of likely benign for this disease.

Ambry Genetics
Classification: Likely benign for Cardiovascular phenotype. Last evaluated: 2015-08-14. Review status: criteria provided, single submitter. Criteria: Ambry Variant Classification Scheme 2023. Collection method: clinical testing. Allele origin: germline.

GeneDx
Classification: Benign. Last evaluated: 2015-03-03. Review status: criteria provided, single submitter. Criteria: GeneDx Variant Classification Process June 2021. Collection method: clinical testing. Allele origin: germline. Affected: yes.

PreventionGenetics, part of Exact Sciences
Classification: Benign for ANK2-related condition. Last evaluated: 2019-06-11. Review status: no assertion criteria provided. Collection method: clinical testing. Allele origin: germline. Not counted in ClinVar's aggregate classification.
Comment: This variant is classified as benign based on ACMG/AMP sequence variant interpretation guidelines (Richards et al. 2015 PMID: 25741868, with internal and published modifications).

Clinical Genetics DNA and cytogenetics Diagnostics Lab, Erasmus MC, Erasmus Medical Center
Classification: Likely benign. Review status: no assertion criteria provided. Collection method: clinical testing. Allele origin: germline. Affected: yes. Study: VKGL Data-share Consensus. Not counted in ClinVar's aggregate classification.

Clinical Genetics, Academic Medical Center
Classification: Benign. Review status: no assertion criteria provided. Collection method: clinical testing. Allele origin: germline. Affected: yes. Study: VKGL Data-share Consensus. Not counted in ClinVar's aggregate classification.

NM_001148.6(ANK2):c.3255G>T (p.Ala1085=)

Gene: ANK2 (ankyrin 2; plus strand). Cytogenetic location: 4q26.
Variant type: single nucleotide variant.
Coding change: c.3255G>T on transcript NM_001148.6 (MANE Select); coding-DNA position 3255, G replaced by T.
Protein change: p.Ala1085=; no amino-acid change (alanine 1085 retained).
Molecular consequence: synonymous variant.
Genome position (GRCh38, 1-based): chr4:113,333,084, G>T. VCF-style: chr4-113333084-G-T. GRCh37 (hg19) VCF-style: chr4-114254240-G-T.
Other names: p.Ala1085=; c.3228G>T, p.Ala1076= (NM_001127493.3); c.3267G>T, p.Ala1089= (NM_001354225.2); c.3156G>T, p.Ala1052= (NM_001354228.2, NM_001354258.2); c.3234G>T, p.Ala1078= (NM_001354230.2); c.3297G>T, p.Ala1099= (NM_001354231.2, NM_001354242.2); c.3291G>T, p.Ala1097= (NM_001354232.2); c.3252G>T, p.Ala1084= (NM_001354235.2, NM_001354246.2, NM_001354265.2); and 30 more.
Identifiers: ClinVar variation 219766 (VCV000219766.31), dbSNP rs56173868, ClinGen allele CA348886.